The following is an entry in ClinVar:

NM_003036.4(SKI):c.37C>G (p.Pro13Ala)

Gene: SKI (SKI proto-oncogene; plus strand). Cytogenetic location: 1p36.33.
Variant type: single nucleotide variant.
Coding change: c.37C>G on transcript NM_003036.4 (MANE Select); coding-DNA position 37, C replaced by G.
Protein change: p.Pro13Ala; replaces proline 13 with alanine.
Molecular consequence: missense variant.
Genome position (GRCh38, 1-based): chr1:2,228,803, C>G. VCF-style: chr1-2228803-C-G. GRCh37 (hg19) VCF-style: chr1-2160242-C-G.
Other names: short protein forms P13A.
Identifiers: ClinVar variation 1686670 (VCV001686670.2), dbSNP rs1460907031, ClinGen allele CA337951953.

ClinVar aggregate classification (germline): Uncertain significance (1 of 4 stars; one submission).

gnomAD v4.1: 1 of 1,342,914 alleles (0.000074%); highest among the groups gnomAD compares: Non-Finnish European, 0.000097%; no homozygotes.

Submission:

GeneDx
Classification: Uncertain significance. Last evaluated: 2021-11-17. Review status: criteria provided, single submitter. Criteria: GeneDx Variant Classification Process June 2021. Collection method: clinical testing. Allele origin: germline. Affected: yes.
Comment: Not observed at significant frequency in large population cohorts (gnomAD); In silico analysis supports that this missense variant has a deleterious effect on protein structure/function; Has not been previously published as pathogenic or benign to our knowledge